The following is an entry in ClinVar:

ClinVar aggregate classification (germline): Pathogenic (1 of 4 stars; one submission).

Conditions:
Early-infantile DEE. Also called: Early infantile epileptic encephalopathy; Early infantile epileptic encephalopathy with suppression bursts; Ohtahara syndrome. Identifiers: Orphanet 1934, MedGen C0393706, MONDO:0800491.

Submission:

Labcorp Genetics (formerly Invitae), Labcorp
Classification: Pathogenic for Early-infantile DEE. Last evaluated: 2021-04-23. Review status: criteria provided, single submitter. Criteria: Invitae Variant Classification Sherloc (09022015). Collection method: clinical testing. Allele origin: germline.
Comment: This sequence change creates a premature translational stop signal (p.Ser169*) in the SCN1A gene. It is expected to result in an absent or disrupted protein product. Loss-of-function variants in SCN1A are known to be pathogenic (PMID: 17347258, 18930999). This variant is not present in population databases (ExAC no frequency). This variant has not been reported in the literature in individuals with SCN1A-related conditions. For these reasons, this variant has been classified as Pathogenic.

Literature cited by the submitters: PubMed 17347258; PubMed 18930999.

NM_001165963.4(SCN1A):c.506C>G (p.Ser169Ter)

Gene: SCN1A (sodium voltage-gated channel alpha subunit 1; minus strand). Cytogenetic location: 2q24.3.
Variant type: single nucleotide variant.
Coding change: c.506C>G on transcript NM_001165963.4 (MANE Select); coding-DNA position 506, C replaced by G.
Protein change: p.Ser169Ter; replaces serine 169 with a stop codon.
Molecular consequence: nonsense. On other transcripts: 5 prime UTR variant (1), non-coding transcript variant (1).
Genome position (GRCh38, 1-based): chr2:166,054,734, G>C on the plus strand (C>G on the coding strand, the complement: SCN1A is on the minus strand). VCF-style: chr2-166054734-G-C. GRCh37 (hg19) VCF-style: chr2-166911244-G-C.
Other names: c.506C>G, p.Ser169Ter (NM_001165964.3, NM_001202435.3, NM_001353948.2 and 10 more transcripts); c.-1920C>G (NM_001353961.2); short protein forms S169*.
Identifiers: ClinVar variation 1350204 (VCV001350204.7), dbSNP rs2105902476, ClinGen allele CA349075617.